The following is an entry in ClinVar:

NM_133636.5(HELQ):c.1004A>C (p.Lys335Thr)

Gene: HELQ (helicase, POLQ like; minus strand). Cytogenetic location: 4q21.23.
Variant type: single nucleotide variant.
Coding change: c.1004A>C on transcript NM_133636.5 (MANE Select); coding-DNA position 1004, A replaced by C.
Protein change: p.Lys335Thr; replaces lysine 335 with threonine.
Molecular consequence: missense variant. On other transcripts: 5 prime UTR variant (2), non-coding transcript variant (1).
Genome position (GRCh38, 1-based): chr4:83,453,239, T>G on the plus strand (A>C on the coding strand, the complement: HELQ is on the minus strand). VCF-style: chr4-83453239-T-G. GRCh37 (hg19) VCF-style: chr4-84374392-T-G.
Other names: c.1004A>C, p.Lys335Thr (NM_001297755.2, NM_001297759.2); c.-501A>C (NM_001297756.2); c.-531A>C (NM_001297757.2); c.893A>C, p.Lys298Thr (NM_001297758.2); short protein forms K298T, K335T.
Identifiers: ClinVar variation 3051010 (VCV003051010.2), dbSNP rs558684771, ClinGen allele CA2989881.

ClinVar aggregate classification (germline): Likely benign (0 of 4 stars; one submission).

Conditions:
HELQ-related disorder. Also called: HELQ-related condition.

Allele frequency attached by ClinVar (database versions not stated): TOPMed 0.00003; gnomAD 0.00013; gnomAD exomes 0.00019; ExAC 0.00046; 1000 Genomes Project 30x 0.00062; 1000 Genomes Project 0.00080.
gnomAD v4.1: 293 of 1,595,868 alleles (0.018%); highest among the groups gnomAD compares: South Asian, 0.31%; no homozygotes.

Submission:

PreventionGenetics, part of Exact Sciences
Classification: Likely benign for HELQ-related condition. Last evaluated: 2020-10-12. Review status: no assertion criteria provided. Collection method: clinical testing. Allele origin: germline.
Comment: This variant is classified as likely benign based on ACMG/AMP sequence variant interpretation guidelines (Richards et al. 2015 PMID: 25741868, with internal and published modifications).